The following is an entry in ClinVar:

NC_000017.11:g.(?_78137697)_(78137834_?)del

Gene: TMC8 (transmembrane channel like 8; plus strand). Cytogenetic location: 17q25.3.
Variant type: Deletion.
Identifiers: ClinVar variation 456001 (VCV000456001.5).

ClinVar aggregate classification (germline): Pathogenic. Review status: criteria provided, single submitter (1 of 4 stars). 2 submissions from 1 submitter: Pathogenic (2). Last evaluated 2020-01-22.

Conditions:
Epidermodysplasia verruciformis, susceptibility to, 1. Identifiers: Orphanet 302, MedGen C4722564, MONDO:0100045, OMIM 226400.
Epidermodysplasia verruciformis. Identifiers: Orphanet 302, MedGen C0014522, MONDO:0009176.

Submissions (2):

Labcorp Genetics (formerly Invitae), Labcorp
Classification: Pathogenic for Epidermodysplasia verruciformis. Last evaluated: 2020-01-22. Review status: criteria provided, single submitter. Criteria: Invitae Variant Classification Sherloc (09022015). Collection method: clinical testing. Allele origin: germline.
Comment: This variant has not been reported in the literature in individuals with TMC8-related disease. For these reasons, this variant has been classified as Pathogenic. Loss-of-function variants in TMC8 are known to be pathogenic (PMID: 12426567, 22158547). This variant is an out-of-frame deletion of the genomic region encompassing exon 11 of the TMC8 gene (c.1252-16_1349+5del). This creates a premature translational stop signal and is expected to result in an absent or disrupted protein product.

Labcorp Genetics (formerly Invitae), Labcorp
Classification: Pathogenic for Epidermodysplasia Verruciformis. Last evaluated: 2018-10-29. Review status: criteria provided, single submitter. Criteria: Invitae Variant Classification Sherloc (09022015). Collection method: clinical testing. Allele origin: germline.
Comment: This variant is an out-of-frame deletion of the genomic region encompassing exon 11 of the TMC8 gene (c.1252-16_1349+5del). This creates a premature translational stop signal and is expected to result in an absent or disrupted protein product. This variant has not been reported in the literature in individuals with TMC8-related disease. Loss-of-function variants in TMC8 are known to be pathogenic (PMID: 12426567, 22158547). For these reasons, this variant has been classified as Pathogenic.

Literature cited by the submitters: PubMed 12426567; PubMed 22158547.